The following is an entry in ClinVar:

NM_000551.4(VHL):c.382C>T (p.Leu128Phe)

Genes: VHL (von Hippel-Lindau tumor suppressor; plus strand), LOC107303340 (3p25 von Hippel-Lindau tumor suppressor, E3 ubiquitin protein ligase Alu-mediated recombination region; plus strand). Cytogenetic location: 3p25.3.
Variant type: single nucleotide variant.
Coding change: c.382C>T on transcript NM_000551.4 (MANE Select); coding-DNA position 382, C replaced by T.
Protein change: p.Leu128Phe; replaces leucine 128 with phenylalanine.
Molecular consequence: missense variant. On other transcripts: intron variant (2).
Genome position (GRCh38, 1-based): chr3:10,146,555, C>T. VCF-style: chr3-10146555-C-T. GRCh37 (hg19) VCF-style: chr3-10188239-C-T.
Other names: c.*18-3232C>T (NM_001354723.2); c.341-3232C>T (NM_198156.3); short protein forms L128F.
Identifiers: ClinVar variation 496060 (VCV000496060.3), dbSNP rs1553619956, ClinGen allele CA351753886.

ClinVar aggregate classification (germline): Conflicting classifications of pathogenicity. Review status: criteria provided, conflicting classifications (1 of 4 stars). 2 submissions from 2 submitters: Pathogenic (1); Uncertain significance (1). Last evaluated 2024-12-26.

Conditions:
Chuvash polycythemia. Also called: POLYCYTHEMIA, VHL-DEPENDENT. Identifiers: Orphanet 238557, MedGen C1837915, MONDO:0009892, OMIM 263400.
Von Hippel-Lindau syndrome (VHLS). Also called: VHL syndrome; Von Hippel-Lindau; von Hippel–Lindau syndrome. Identifiers: Orphanet 892, MedGen C0019562, MONDO:0008667, OMIM 193300. Disease mechanism: loss of function.

Submissions (2):

Women's Health and Genetics/Laboratory Corporation of America, LabCorp
Classification: Pathogenic for Von Hippel-Lindau syndrome. Last evaluated: 2024-12-26. Review status: criteria provided, single submitter. Criteria: LabCorp Variant Classification Summary - May 2015. Collection method: clinical testing. Allele origin: germline.
Comment: Variant summary: VHL c.382C>T (p.Leu128Phe) results in a non-conservative amino acid change located in the von Hippel-Landau (pVHL) tumor suppressor protein domain of the encoded protein sequence. Five of five in-silico tools predict a damaging effect of the variant on protein function. The variant was absent in 251496 control chromosomes. c.382C>T has been reported in the literature in multiple individuals affected with Von Hippel-Lindau Syndrome (example, Benhammou_2010, Cybulski_2004, Stolle_1998). These data indicate that the variant is very likely to be associated with disease. At least two publications report experimental evidence evaluating an impact on protein function, however, does not allow convincing conclusions about the variant effect (example, Hansen_2002, Russel_1998). The following publications have been ascertained in the context of this evaluation (PMID: 9681856, 9829911, 20233476, 18584357, 11865071, 18836774, 20151405, 20846682, 21685897). ClinVar contains an entry for this variant (Variation ID: 496060). Based on the evidence outlined above, the variant was classified as pathogenic.

Labcorp Genetics (formerly Invitae), Labcorp
Classification: Uncertain significance for Von Hippel-Lindau syndrome; Erythrocytosis, familial, 2. Last evaluated: 2019-07-23. Review status: criteria provided, single submitter. Criteria: Invitae Variant Classification Sherloc (09022015). Collection method: clinical testing. Allele origin: germline.
Comment: This sequence change replaces leucine with phenylalanine at codon 128 of the VHL protein (p.Leu128Phe). The leucine residue is moderately conserved and there is a small physicochemical difference between leucine and phenylalanine. This variant is not present in population databases (ExAC no frequency). This missense change has been observed in individuals affected with von Hippel-Lindau syndrome and pheochromocytoma (PMID: 8956040, 9681856, Invitae). This variant is also known as c.595C>T in the literature. ClinVar contains an entry for this variant (Variation ID: 496060). This variant has been reported to have conflicting or insufficient data to determine the effect on VHL protein function (PMID: 11865071, 21685897). This variant disrupts the p.Leu128 amino acid residue in VHL. Other variant(s) that disrupt this residue have been observed in individuals with VHL-related conditions (PMID: 19270817, 14722919, 17024664), which suggests that this may be a clinically significant amino acid residue. In summary, the available evidence is currently insufficient to determine the role of this variant in disease. Therefore, it has been classified as a Variant of Uncertain Significance.

Literature cited by the submitters: PubMed 9681856 (cited by Women's Health and Genetics/Laboratory Corporation of America, LabCorp and Labcorp Genetics (formerly Invitae), Labcorp); PubMed 9829911 (cited by Women's Health and Genetics/Laboratory Corporation of America, LabCorp); PubMed 20233476 (cited by Women's Health and Genetics/Laboratory Corporation of America, LabCorp); PubMed 18584357 (cited by Women's Health and Genetics/Laboratory Corporation of America, LabCorp); PubMed 11865071 (cited by Women's Health and Genetics/Laboratory Corporation of America, LabCorp and Labcorp Genetics (formerly Invitae), Labcorp); PubMed 18836774 (cited by Women's Health and Genetics/Laboratory Corporation of America, LabCorp); PubMed 20151405 (cited by Women's Health and Genetics/Laboratory Corporation of America, LabCorp); PubMed 20846682 (cited by Women's Health and Genetics/Laboratory Corporation of America, LabCorp); PubMed 21685897 (cited by Women's Health and Genetics/Laboratory Corporation of America, LabCorp and Labcorp Genetics (formerly Invitae), Labcorp); PubMed 8956040 (cited by Labcorp Genetics (formerly Invitae), Labcorp); PubMed 19270817 (cited by Labcorp Genetics (formerly Invitae), Labcorp); PubMed 17024664 (cited by Labcorp Genetics (formerly Invitae), Labcorp); PubMed 14722919 (cited by Labcorp Genetics (formerly Invitae), Labcorp).